The following is an entry in ClinVar:

ClinVar aggregate classification (germline): Benign/Likely benign. Review status: criteria provided, multiple submitters, no conflicts (2 of 4 stars). 5 submissions from 5 submitters: Benign (2); Likely benign (2). 1 of the submissions does not count toward it. Last evaluated 2026-02-01.

Conditions:
FBN3-related disorder. Also called: FBN3-related condition.

Allele frequency attached by ClinVar (database versions not stated): 1000 Genomes Project 0.00240; 1000 Genomes Project 30x 0.00265; ESP Exome Variant Server 0.00464; gnomAD exomes 0.00464 and 0.00655; gnomAD 0.00497; TOPMed 0.00542; ExAC 0.00722.
gnomAD v4.1: 9,947 of 1,561,612 alleles (0.64%); highest among the groups gnomAD compares: Middle Eastern, 0.87%; 44 homozygotes.

Submissions (5):

Labcorp Genetics (formerly Invitae), Labcorp
Classification: Benign. Last evaluated: 2026-02-01. Review status: criteria provided, single submitter. Criteria: Invitae Variant Classification Sherloc (09022015). Collection method: clinical testing. Allele origin: germline.

Genomic Medicine Center of Excellence, King Faisal Specialist Hospital and Research Centre
Classification: Likely benign. Last evaluated: 2025-08-18. Review status: criteria provided, single submitter. Criteria: ACMG Guidelines, 2015. Collection method: clinical testing. Allele origin: germline.

CeGaT Center for Human Genetics Tuebingen
Classification: Likely benign. Last evaluated: 2024-08-01. Review status: criteria provided, single submitter. Criteria: CeGaT Center For Human Genetics Tuebingen Variant Classification Criteria Version 2. Collection method: clinical testing. Allele origin: germline. Affected: yes. Observed: 4 variant alleles.
Comment: FBN3: BP4, BS2

Breakthrough Genomics
Classification: Benign. Review status: criteria provided, single submitter. Criteria: ACMG Guidelines, 2015. Collection method: not provided. Allele origin: germline. Inheritance: Unknown mechanism. Affected: yes.

PreventionGenetics, part of Exact Sciences
Classification: Likely benign for FBN3-related condition. Last evaluated: 2019-02-27. Review status: no assertion criteria provided. Collection method: clinical testing. Allele origin: germline. Not counted in ClinVar's aggregate classification.
Comment: This variant is classified as likely benign based on ACMG/AMP sequence variant interpretation guidelines (Richards et al. 2015 PMID: 25741868, with internal and published modifications).

NM_032447.5(FBN3):c.3463+3G>A

Gene: FBN3 (fibrillin 3; minus strand). Cytogenetic location: 19p13.2.
Variant type: single nucleotide variant.
Coding change: c.3463+3G>A on transcript NM_032447.5 (MANE Select); 3 bases into the intron after coding-DNA position 3463, G replaced by A.
Molecular consequence: intron variant.
Genome position (GRCh38, 1-based): chr19:8,117,461, C>T on the plus strand (G>A on the coding strand, the complement: FBN3 is on the minus strand). VCF-style: chr19-8117461-C-T. GRCh37 (hg19) VCF-style: chr19-8182345-C-T.
Other names: c.3463+3G>A (NM_001321431.2, NM_001321431.1).
Identifiers: ClinVar variation 779469 (VCV000779469.35), dbSNP rs192897269, ClinGen allele CA9152451.